The following is an entry in ClinVar:

NM_002693.3(POLG):c.3447dup (p.Ala1150fs)

Gene: POLG (DNA polymerase gamma, catalytic subunit; minus strand). Cytogenetic location: 15q26.1.
Variant type: Duplication.
Coding change: c.3447dup on transcript NM_002693.3 (MANE Select); coding-DNA position 3447, one base duplicated (T; older notation c.3447dupT).
Protein change: p.Ala1150fs; shifts the reading frame from alanine 1150.
Molecular consequence: frameshift variant.
Genome position (GRCh38, 1-based): chr15:89,318,576, A duplicated on the plus strand (T on the coding strand, the reverse complement: POLG is on the minus strand). VCF-style (leftmost placement, unchanged base first): chr15-89318575-C-CA. GRCh37 (hg19) VCF-style: chr15-89861806-C-CA.
Other names: c.3447dup, p.Ala1150fs (NM_001126131.2); short protein forms A1150fs.
Identifiers: ClinVar variation 619312 (VCV000619312.1), dbSNP rs1567185026, ClinGen allele CA10602274.

ClinVar aggregate classification (germline): Pathogenic (1 of 4 stars; one submission).

Conditions:
Progressive sclerosing poliodystrophy (MTDPS4A). Also called: Alpers-Huttenlocher Syndrome (AHS); Alpers Syndrome; ALPERS PROGRESSIVE INFANTILE POLIODYSTROPHY; Mitochondrial DNA depletion syndrome 4A (Alpers type); ALPERS DIFFUSE DEGENERATION OF CEREBRAL GRAY MATTER WITH HEPATIC CIRRHOSIS; Alpers-Huttenlocher Syndrome. Identifiers: Orphanet 726, MedGen C0205710, MONDO:0008758, OMIM 203700.

Submission:

Wong Mito Lab, Molecular and Human Genetics, Baylor College of Medicine
Classification: Pathogenic for Progressive sclerosing poliodystrophy. Last evaluated: 2018-10-01. Review status: criteria provided, single submitter. Criteria: ACMG Guidelines, 2015. Collection method: clinical testing. Allele origin: germline.
Comment: The NM_002693.2:c.3447dup (NP_002684.1:p.Ala1150CysfsTer23) [GRCH38: NC_000015.10:g.89318576dup] variant in POLG gene is interpretated to be a Pathogenic based on ACMG guidelines (PMID: 25741868). This variant meets the following evidence codes reported in the ACMG-guideline. PVS1:This variant is a predicted null variant in POLG where loss of function is a known mechanism of disease. PM2:This variant is absent in key population databases. PM3:Detected in trans with a pathogenic variant for Mitochondrial DNA depletion syndrome 4A (Alpers type) which is a recessive disorder. PM4:This variant causes alteration in the length of expressed protein. PP1:This variant is co-segregated with Mitochondrial DNA depletion syndrome 4A (Alpers type) in multiple affected family members. PP4:Patient's phenotype or family history is highly specific for POLG. Based on the evidence criteria codes applied, the variant is suggested to be Pathogenic.